The following is an entry in ClinVar:

NM_025219.3(DNAJC5):c.*853C>A

Gene: DNAJC5 (DnaJ heat shock protein family (Hsp40) member C5; plus strand). Cytogenetic location: 20q13.33.
Variant type: single nucleotide variant.
Coding change: c.*853C>A on transcript NM_025219.3 (MANE Select); 853 bases downstream of the stop codon, C replaced by A.
Molecular consequence: 3 prime UTR variant.
Genome position (GRCh38, 1-based): chr20:63,932,421, C>A. VCF-style: chr20-63932421-C-A. GRCh37 (hg19) VCF-style: chr20-62563774-C-A.
Identifiers: ClinVar variation 895066 (VCV000895066.28), dbSNP rs6011230, ClinGen allele CA317524285.

ClinVar aggregate classification (germline): Conflicting classifications of pathogenicity. Review status: criteria provided, conflicting classifications (1 of 4 stars). 2 submissions from 2 submitters: Uncertain significance (1); Benign (1). Last evaluated 2022-10-01.

Conditions:
Ceroid lipofuscinosis, neuronal, 4 (Kufs type) (CLN4). Also called: Neuronal ceroid lipofuscinosis 4B; Ceroid lipofuscinosis, neuronal, 4, Parry type. Identifiers: Orphanet 228343, Orphanet 79262, MedGen C1834207, MONDO:0008083, OMIM 162350.

Allele frequency attached by ClinVar (database versions not stated): TOPMed 0.00041; 1000 Genomes Project 30x 0.00078.

Submissions (2):

CeGaT Center for Human Genetics Tuebingen
Classification: Benign. Last evaluated: 2022-10-01. Review status: criteria provided, single submitter. Criteria: CeGaT Center For Human Genetics Tuebingen Variant Classification Criteria Version 2. Collection method: clinical testing. Allele origin: germline. Affected: yes. Observed: 1 variant allele.
Comment: DNAJC5: BS1, BS2

Illumina Laboratory Services, Illumina
Classification: Uncertain significance for Ceroid lipofuscinosis, neuronal, 4 (Kufs type). Last evaluated: 2018-01-12. Review status: criteria provided, single submitter. Criteria: ICSL Variant Classification Criteria 13 December 2019. Collection method: clinical testing. Allele origin: germline.